The following is an entry in ClinVar:

ClinVar aggregate classification (germline): Uncertain significance. Review status: criteria provided, multiple submitters, no conflicts (2 of 4 stars). 2 submissions from 2 submitters: Uncertain significance (2). Last evaluated 2024-05-24.

Conditions:
Spondyloepiphyseal dysplasia with congenital joint dislocations (SEDCJD). Also called: Chondrodysplasia with Congenital Joint Dislocations, CHST3-Related. Identifiers: Orphanet 263463, MedGen C1837657, MONDO:0007738, OMIM 143095.
Inborn genetic diseases. Identifiers: MedGen C0950123, MeSH D030342.

Allele frequency attached by ClinVar (database versions not stated): gnomAD exomes 0.00001 and 0.00002; TOPMed 0.00001.
gnomAD v4.1: 6 of 1,584,282 alleles (0.00038%); highest among the groups gnomAD compares: Admixed American, 0.011%; no homozygotes.

Submissions (2):

Ambry Genetics
Classification: Uncertain significance for Inborn genetic diseases. Last evaluated: 2024-05-24. Review status: criteria provided, single submitter. Criteria: Ambry Variant Classification Scheme 2023. Collection method: clinical testing. Allele origin: germline.

Labcorp Genetics (formerly Invitae), Labcorp
Classification: Uncertain significance for Spondyloepiphyseal dysplasia with congenital joint dislocations. Last evaluated: 2022-03-03. Review status: criteria provided, single submitter. Criteria: Invitae Variant Classification Sherloc (09022015). Collection method: clinical testing. Allele origin: germline.
Comment: This sequence change replaces isoleucine, which is neutral and non-polar, with methionine, which is neutral and non-polar, at codon 414 of the CHST3 protein (p.Ile414Met). The frequency data for this variant in the population databases is considered unreliable, as metrics indicate poor data quality at this position in the gnomAD database. This variant has not been reported in the literature in individuals affected with CHST3-related conditions. ClinVar contains an entry for this variant (Variation ID: 1038446). Algorithms developed to predict the effect of missense changes on protein structure and function are either unavailable or do not agree on the potential impact of this missense change (SIFT: "Deleterious"; PolyPhen-2: "Possibly Damaging"; Align-GVGD: "Class C0"). In summary, the available evidence is currently insufficient to determine the role of this variant in disease. Therefore, it has been classified as a Variant of Uncertain Significance.

NM_004273.5(CHST3):c.1242C>G (p.Ile414Met)

Gene: CHST3 (carbohydrate sulfotransferase 3; plus strand). Cytogenetic location: 10q22.1.
Variant type: single nucleotide variant.
Coding change: c.1242C>G on transcript NM_004273.5 (MANE Select); coding-DNA position 1242, C replaced by G.
Protein change: p.Ile414Met; replaces isoleucine 414 with methionine.
Molecular consequence: missense variant.
Genome position (GRCh38, 1-based): chr10:72,008,273, C>G. VCF-style: chr10-72008273-C-G. GRCh37 (hg19) VCF-style: chr10-73768031-C-G.
Other names: c.1242C>G (NM_004273.4); short protein forms I414M.
Identifiers: ClinVar variation 1038446 (VCV001038446.4), dbSNP rs1004650270, ClinGen allele CA209479416.